The following is an entry in ClinVar:

ClinVar aggregate classification (germline): Uncertain significance (1 of 4 stars; one submission).

Conditions:
Adams-Oliver syndrome 5 (AOS5). Identifiers: Orphanet 974, MedGen C4014970, MONDO:0014459, OMIM 616028.

gnomAD v4.1: 1 of 1,609,478 alleles (0.000062%); highest among the groups gnomAD compares: Non-Finnish European, 0.000085%; no homozygotes.

Submission:

Labcorp Genetics (formerly Invitae), Labcorp
Classification: Uncertain significance for Adams-Oliver syndrome 5. Last evaluated: 2025-01-29. Review status: criteria provided, single submitter. Criteria: Invitae Variant Classification Sherloc (09022015). Collection method: clinical testing. Allele origin: germline.
Comment: This sequence change replaces valine, which is neutral and non-polar, with methionine, which is neutral and non-polar, at codon 2119 of the NOTCH1 protein (p.Val2119Met). This variant is not present in population databases (gnomAD no frequency). This variant has not been reported in the literature in individuals affected with NOTCH1-related conditions. Invitae Evidence Modeling of protein sequence and biophysical properties (such as structural, functional, and spatial information, amino acid conservation, physicochemical variation, residue mobility, and thermodynamic stability) indicates that this missense variant is not expected to disrupt NOTCH1 protein function with a negative predictive value of 80%. In summary, the available evidence is currently insufficient to determine the role of this variant in disease. Therefore, it has been classified as a Variant of Uncertain Significance.

NM_017617.5(NOTCH1):c.6355G>A (p.Val2119Met)

Gene: NOTCH1 (notch receptor 1; minus strand). Cytogenetic location: 9q34.3.
Variant type: single nucleotide variant.
Coding change: c.6355G>A on transcript NM_017617.5 (MANE Select); coding-DNA position 6355, G replaced by A.
Protein change: p.Val2119Met; replaces valine 2119 with methionine.
Molecular consequence: missense variant.
Genome position (GRCh38, 1-based): chr9:136,497,384, C>T on the plus strand (G>A on the coding strand, the complement: NOTCH1 is on the minus strand). VCF-style: chr9-136497384-C-T. GRCh37 (hg19) VCF-style: chr9-139391836-C-T.
Other names: short protein forms V2119M.
Identifiers: ClinVar variation 3716301 (VCV003716301.2).